The following is an entry in ClinVar:

ClinVar aggregate classification (germline): Uncertain significance (1 of 4 stars; one submission).

Allele frequency attached by ClinVar (database versions not stated): gnomAD 0.00001; TOPMed 0.00005; ExAC 0.00007; gnomAD exomes 0.00011.
gnomAD v4.1: 30 of 1,614,120 alleles (0.0019%); highest among the groups gnomAD compares: Admixed American, 0.05%; no homozygotes.

Submission:

Labcorp Genetics (formerly Invitae), Labcorp
Classification: Uncertain significance. Last evaluated: 2024-12-16. Review status: criteria provided, single submitter. Criteria: Invitae Variant Classification Sherloc (09022015). Collection method: clinical testing. Allele origin: germline.
Comment: This sequence change replaces alanine, which is neutral and non-polar, with threonine, which is neutral and polar, at codon 97 of the LETM1 protein (p.Ala97Thr). This variant is present in population databases (rs750399223, gnomAD 0.07%). This variant has not been reported in the literature in individuals affected with LETM1-related conditions. ClinVar contains an entry for this variant (Variation ID: 1373948). An algorithm developed to predict the effect of missense changes on protein structure and function (PolyPhen-2) suggests that this variant is likely to be tolerated. In summary, the available evidence is currently insufficient to determine the role of this variant in disease. Therefore, it has been classified as a Variant of Uncertain Significance.

NM_012318.3(LETM1):c.289G>A (p.Ala97Thr)

Gene: LETM1 (leucine zipper and EF-hand containing transmembrane protein 1; minus strand). Cytogenetic location: 4p16.3.
Variant type: single nucleotide variant.
Coding change: c.289G>A on transcript NM_012318.3 (MANE Select); coding-DNA position 289, G replaced by A.
Protein change: p.Ala97Thr; replaces alanine 97 with threonine.
Molecular consequence: missense variant.
Genome position (GRCh38, 1-based): chr4:1,841,652, C>T on the plus strand (G>A on the coding strand, the complement: LETM1 is on the minus strand). VCF-style: chr4-1841652-C-T. GRCh37 (hg19) VCF-style: chr4-1843379-C-T.
Other names: short protein forms A97T.
Identifiers: ClinVar variation 1373948 (VCV001373948.6), dbSNP rs750399223, ClinGen allele CA2811674.